The following is an entry in ClinVar:

ClinVar aggregate classification (germline): Conflicting classifications of pathogenicity. Review status: criteria provided, conflicting classifications (1 of 4 stars). 4 submissions from 4 submitters: Uncertain significance (1); Likely benign (2). 1 of the submissions does not count toward it. Last evaluated 2024-11-20.

Conditions:
PCDH15-related disorder. Also called: PCDH15-related disorders; PCDH15-related condition.
Inborn genetic diseases. Identifiers: MedGen C0950123, MeSH D030342.

Allele frequency attached by ClinVar (database versions not stated): gnomAD exomes 0.00011 and 0.00020; ExAC 0.00014.

Submissions (4):

Blueprint Genetics
Classification: Uncertain significance. Last evaluated: 2024-11-20. Review status: criteria provided, single submitter. Criteria: ACMG Guidelines, 2015. Collection method: clinical testing. Allele origin: germline.

Ambry Genetics
Classification: Likely benign for Inborn genetic diseases. Last evaluated: 2023-08-19. Review status: criteria provided, single submitter. Criteria: Ambry Variant Classification Scheme 2023. Collection method: clinical testing. Allele origin: germline.

Labcorp Genetics (formerly Invitae), Labcorp
Classification: Likely benign. Last evaluated: 2018-09-25. Review status: criteria provided, single submitter. Criteria: Invitae Variant Classification Sherloc (09022015). Collection method: clinical testing. Allele origin: germline.

PreventionGenetics, part of Exact Sciences
Classification: Likely benign for PCDH15-related condition. Last evaluated: 2020-01-13. Review status: no assertion criteria provided. Collection method: clinical testing. Allele origin: germline. Not counted in ClinVar's aggregate classification.
Comment: This variant is classified as likely benign based on ACMG/AMP sequence variant interpretation guidelines (Richards et al. 2015 PMID: 25741868, with internal and published modifications).

NM_001384140.1(PCDH15):c.4644A>G (p.Glu1548=)

Gene: PCDH15 (protocadherin related 15; minus strand). Cytogenetic location: 10q21.1.
Variant type: single nucleotide variant.
Coding change: c.4644A>G on transcript NM_001384140.1 (MANE Select); coding-DNA position 4644, A replaced by G.
Protein change: p.Glu1548=; no amino-acid change (glutamic acid 1548 retained).
Molecular consequence: synonymous variant. On other transcripts: missense variant (1).
Genome position (GRCh38, 1-based): chr10:53,810,583, T>C on the plus strand (A>G on the coding strand, the complement: PCDH15 is on the minus strand). VCF-style: chr10-53810583-T-C. GRCh37 (hg19) VCF-style: chr10-55570343-T-C.
Other names: c.4526A>G (NM_001142770.1); c.4491A>G, p.Glu1497= (NM_001142769.4); c.4526A>G, p.Lys1509Arg (NM_001142770.3); c.4470A>G, p.Glu1490= (NM_001142771.2, NM_001354411.2); c.4455A>G, p.Glu1485= (NM_001142772.2); c.4449A>G, p.Glu1483= (NM_001354420.2); c.4578A>G, p.Glu1526= (NM_001354429.2); short protein forms K1509R.
Identifiers: ClinVar variation 1160148 (VCV001160148.13), dbSNP rs200796871, ClinGen allele CA5504880.